The following is an entry in ClinVar:

ClinVar aggregate classification (germline): Pathogenic (1 of 4 stars; one submission).

Conditions:
Primary ciliary dyskinesia. Also called: Ciliary dyskinesia. Identifiers: Orphanet 244, MedGen C0008780, MONDO:0016575, HP:0012265.

Allele frequency attached by ClinVar (database versions not stated): gnomAD exomes below 0.00001; TOPMed below 0.00001.
gnomAD v4.1: 2 of 1,614,098 alleles (0.00012%); highest among the groups gnomAD compares: Non-Finnish European, 0.00017%; no homozygotes.

Submission:

Labcorp Genetics (formerly Invitae), Labcorp
Classification: Pathogenic for Primary ciliary dyskinesia. Last evaluated: 2022-06-27. Review status: criteria provided, single submitter. Criteria: Invitae Variant Classification Sherloc (09022015). Collection method: clinical testing. Allele origin: germline.
Comment: For these reasons, this variant has been classified as Pathogenic. Algorithms developed to predict the effect of sequence changes on RNA splicing suggest that this variant may disrupt the consensus splice site. Algorithms developed to predict the effect of missense changes on protein structure and function output the following: SIFT: "Tolerated"; PolyPhen-2: "Benign"; Align-GVGD: "Class C0". The serine amino acid residue is found in multiple mammalian species, which suggests that this missense change does not adversely affect protein function. ClinVar contains an entry for this variant (Variation ID: 861549). This missense change has been observed in individual(s) with primary ciliary dyskinesia (Invitae). This variant is not present in population databases (gnomAD no frequency). This sequence change replaces asparagine, which is neutral and polar, with serine, which is neutral and polar, at codon 866 of the CCDC40 protein (p.Asn866Ser).

NM_017950.4(CCDC40):c.2597A>G (p.Asn866Ser)

Gene: CCDC40 (coiled-coil domain 40 molecular ruler complex subunit; plus strand). Cytogenetic location: 17q25.3.
Variant type: single nucleotide variant.
Coding change: c.2597A>G on transcript NM_017950.4 (MANE Select); coding-DNA position 2597, A replaced by G.
Protein change: p.Asn866Ser; replaces asparagine 866 with serine.
Molecular consequence: missense variant.
Genome position (GRCh38, 1-based): chr17:80,087,754, A>G. VCF-style: chr17-80087754-A-G. GRCh37 (hg19) VCF-style: chr17-78061553-A-G.
Other names: c.2597A>G, p.Asn866Ser (NM_001243342.2); short protein forms N866S.
Identifiers: ClinVar variation 861549 (VCV000861549.10), dbSNP rs2038617610, ClinGen allele CA401349125.